The following is an entry in ClinVar:

ClinVar aggregate classification (germline): Likely benign. Review status: criteria provided, multiple submitters, no conflicts (2 of 4 stars). 4 submissions from 4 submitters: Likely benign (4). Last evaluated 2026-04-23.

Conditions:
GRIN1-related disorder. Also called: GRIN1-related condition.
Neurodevelopmental disorder with or without hyperkinetic movements and seizures, autosomal dominant. Also called: Intellectual disability, autosomal dominant 8. Identifiers: MedGen C3280282, MONDO:0013655, OMIM 614254.

Allele frequency attached by ClinVar (database versions not stated): gnomAD 0.00003 and 0.00004; TOPMed 0.00003; gnomAD exomes 0.00004 and 0.00006; ExAC 0.00005; ESP Exome Variant Server 0.00008.
gnomAD v4.1: 96 of 1,613,708 alleles (0.0059%); highest among the groups gnomAD compares: Admixed American, 0.0083%; no homozygotes.

Submissions (4):

PreventionGenetics, part of Exact Sciences
Classification: Likely benign for GRIN1-related condition. Last evaluated: 2026-04-23. Review status: criteria provided, single submitter. Criteria: ACMG Guidelines, 2015. Collection method: clinical testing. Allele origin: germline.
Comment: This variant is classified as likely benign based on ACMG/AMP sequence variant interpretation guidelines (Richards et al. 2015 PMID: 25741868, with internal and published modifications).

Labcorp Genetics (formerly Invitae), Labcorp
Classification: Likely benign for Neurodevelopmental disorder with or without hyperkinetic movements and seizures, autosomal dominant. Last evaluated: 2026-01-05. Review status: criteria provided, single submitter. Criteria: Invitae Variant Classification Sherloc (09022015). Collection method: clinical testing. Allele origin: germline.

Women's Health and Genetics/Laboratory Corporation of America, LabCorp
Classification: Likely benign. Last evaluated: 2025-06-19. Review status: criteria provided, single submitter. Criteria: LabCorp Variant Classification Summary - May 2015. Collection method: clinical testing. Allele origin: germline.

GeneDx
Classification: Likely benign. Last evaluated: 2020-06-16. Review status: criteria provided, single submitter. Criteria: GeneDx Variant Classification Process June 2021. Collection method: clinical testing. Allele origin: germline. Affected: yes.

NM_007327.4(GRIN1):c.159C>T (p.His53=)

Gene: GRIN1 (glutamate ionotropic receptor NMDA type subunit 1; plus strand). Cytogenetic location: 9q34.3.
Variant type: single nucleotide variant.
Coding change: c.159C>T on transcript NM_007327.4 (MANE Select); coding-DNA position 159, C replaced by T.
Protein change: p.His53=; no amino-acid change (histidine 53 retained).
Molecular consequence: synonymous variant.
Genome position (GRCh38, 1-based): chr9:137,139,645, C>T. VCF-style: chr9-137139645-C-T. GRCh37 (hg19) VCF-style: chr9-140034097-C-T.
Other names: c.159C>T, p.His53= (NM_000832.7, NM_001185090.2, NM_001185091.2 and 1 more transcripts).
Identifiers: ClinVar variation 696902 (VCV000696902.12), dbSNP rs147818786, ClinGen allele CA5360584.
Genomic context (GRCh38, chr9:137,139,645, plus strand): 5'-GAGCACGCGGAAGCACGAGCAGATGTTCCGCGAGGCCGTGAACCAGGCCAACAAGCGGCA[C>T]GGCTCCTGGAAGATTCAGCTCAATGCCACCTCCGTCACGCACAAGCCCAACGCCATCCAG-3'
Protein context (NP_015566.1, residues 43-63): REAVNQANKR[His53=]GSWKIQLNAT